The following is an entry in ClinVar:

NM_016604.4(KDM3B):c.4451A>G (p.Lys1484Arg)

Gene: KDM3B (lysine demethylase 3B; plus strand). Cytogenetic location: 5q31.2.
Variant type: single nucleotide variant.
Coding change: c.4451A>G on transcript NM_016604.4 (MANE Select); coding-DNA position 4451, A replaced by G.
Protein change: p.Lys1484Arg; replaces lysine 1484 with arginine.
Molecular consequence: missense variant.
Genome position (GRCh38, 1-based): chr5:138,427,014, A>G. VCF-style: chr5-138427014-A-G. GRCh37 (hg19) VCF-style: chr5-137762703-A-G.
Other names: short protein forms K1484R.
Identifiers: ClinVar variation 4795649 (VCV004795649.1).

ClinVar aggregate classification (germline): Uncertain significance (1 of 4 stars; one submission).

Submission:

GeneDx
Classification: Uncertain significance. Last evaluated: 2025-08-14. Review status: criteria provided, single submitter. Criteria: GeneDx Variant Classification Process June 2021. Collection method: clinical testing. Allele origin: germline. Affected: yes.
Comment: Not observed at significant frequency in large population cohorts (gnomAD); In silico analysis suggests that this missense variant does not alter protein structure/function; Has not been previously published as pathogenic or benign to our knowledge